The following is an entry in ClinVar:

NM_000038.6(APC):c.248C>T (p.Pro83Leu)

Gene: APC (APC regulator of Wnt signaling pathway; plus strand). Cytogenetic location: 5q22.2.
Variant type: single nucleotide variant.
Coding change: c.248C>T on transcript NM_000038.6 (MANE Select); coding-DNA position 248, C replaced by T.
Protein change: p.Pro83Leu; replaces proline 83 with leucine.
Molecular consequence: missense variant. On other transcripts: 5 prime UTR variant (1).
Genome position (GRCh38, 1-based): chr5:112,767,216, C>T. VCF-style: chr5-112767216-C-T. GRCh37 (hg19) VCF-style: chr5-112102913-C-T.
Other names: c.248C>T, p.Pro83Leu (NM_001127510.3, NM_001354895.2, NM_001354896.2 and 2 more transcripts); c.278C>T, p.Pro93Leu (NM_001127511.3, NM_001354897.2, NM_001354902.2); c.173C>T, p.Pro58Leu (NM_001354898.2, NM_001354904.2); c.71C>T, p.Pro24Leu (NM_001354900.2, NM_001354901.2, NM_001354905.2); c.-788C>T (NM_001354906.2); short protein forms P93L, P24L, P58L, P83L.
Identifiers: ClinVar variation 842129 (VCV000842129.12), dbSNP rs1163661746, ClinGen allele CA16021890.
Genomic context (GRCh38, chr5:112,767,216, plus strand): 5'-TGTTGTATAAAAACTTGTTTCTATTTTATTTAGAGCTTAACTTAGATAGCAGTAATTTCC[C>T]TGGAGTAAAACTGCGGTCAAAAATGTCCCTCCGTTCTTATGGAAGCCGGGAAGGATCTGT-3'
Protein context (NP_000029.2, residues 73-93): KELNLDSSNF[Pro83Leu]GVKLRSKMSL

ClinVar aggregate classification (germline): Uncertain significance. Review status: criteria provided, multiple submitters, no conflicts (2 of 4 stars). 2 submissions from 2 submitters: Uncertain significance (2). Last evaluated 2024-07-10.

Conditions:
Familial adenomatous polyposis 1 (FAP1). Also called: FAMILIAL ADENOMATOUS POLYPOSIS 1, ATTENUATED; POLYPOSIS, ADENOMATOUS INTESTINAL. Identifiers: MedGen C2713442, MONDO:0021056, OMIM 175100. Disease mechanism: loss of function.
Hereditary cancer-predisposing syndrome. Also called: Hereditary Cancer Syndrome; Hereditary neoplastic syndrome; Tumor predisposition; Neoplastic Syndromes, Hereditary. Identifiers: Orphanet 140162, MedGen C0027672, MeSH D009386, MONDO:0015356.

gnomAD v4.1: 1 of 1,614,006 alleles (0.000062%); highest among the groups gnomAD compares: Non-Finnish European, 0.000085%; no homozygotes.

Submissions (2):

Ambry Genetics
Classification: Uncertain significance for Hereditary cancer-predisposing syndrome. Last evaluated: 2024-07-10. Review status: criteria provided, single submitter. Criteria: Ambry Variant Classification Scheme 2023. Collection method: clinical testing. Allele origin: germline.
Comment: The p.P83L variant (also known as c.248C>T), located in coding exon 3 of the APC gene, results from a C to T substitution at nucleotide position 248. The proline at codon 83 is replaced by leucine, an amino acid with similar properties. Missense alterations in APC are not a common cause of disease (Spier I et al. Genet Med. 2024 Feb;26(2):100992). This amino acid position is well conserved in available vertebrate species. In addition, in silico predictors for this gene do not accurately predict pathogenicity. Based on the available evidence, the clinical significance of this variant remains unclear.

Labcorp Genetics (formerly Invitae), Labcorp
Classification: Uncertain significance for Familial adenomatous polyposis 1. Last evaluated: 2024-05-15. Review status: criteria provided, single submitter. Criteria: Invitae Variant Classification Sherloc (09022015). Collection method: clinical testing. Allele origin: germline.
Comment: This sequence change replaces proline, which is neutral and non-polar, with leucine, which is neutral and non-polar, at codon 83 of the APC protein (p.Pro83Leu). This variant is not present in population databases (gnomAD no frequency). This variant has not been reported in the literature in individuals affected with APC-related conditions. ClinVar contains an entry for this variant (Variation ID: 842129). Advanced modeling of protein sequence and biophysical properties (such as structural, functional, and spatial information, amino acid conservation, physicochemical variation, residue mobility, and thermodynamic stability) performed at Invitae indicates that this missense variant is not expected to disrupt APC protein function with a negative predictive value of 95%. In summary, the available evidence is currently insufficient to determine the role of this variant in disease. Therefore, it has been classified as a Variant of Uncertain Significance.